The following is an entry in ClinVar:

NM_001082971.2(DDC):c.538A>G (p.Met180Val)

Gene: DDC (dopa decarboxylase; minus strand). Cytogenetic location: 7p12.1.
Variant type: single nucleotide variant.
Coding change: c.538A>G on transcript NM_001082971.2 (MANE Select); coding-DNA position 538, A replaced by G.
Protein change: p.Met180Val; replaces methionine 180 with valine.
Molecular consequence: missense variant. On other transcripts: intron variant (1).
Genome position (GRCh38, 1-based): chr7:50,529,240, T>C on the plus strand (A>G on the coding strand, the complement: DDC is on the minus strand). VCF-style: chr7-50529240-T-C. GRCh37 (hg19) VCF-style: chr7-50596938-T-C.
Other names: c.538A>G, p.Met180Val (NM_000790.4, NM_001242887.2, NM_001242890.2); c.424A>G, p.Met142Val (NM_001242886.2); c.304A>G, p.Met102Val (NM_001242888.2); c.435+8620A>G (NM_001242889.2); short protein forms M142V, M180V, M102V.
Identifiers: ClinVar variation 1403352 (VCV001403352.8), dbSNP rs2153545936, ClinGen allele CA367526671.

ClinVar aggregate classification (germline): Uncertain significance (1 of 4 stars; one submission).

Conditions:
Deficiency of aromatic-L-amino-acid decarboxylase. Also called: Aromatic L-Amino Acid Decarboxylase Deficiency; Aromatic amino acid decarboxylase deficiency; AADC DEFICIENCY; DDC DEFICIENCY; DOPA DECARBOXYLASE DEFICIENCY. Identifiers: Orphanet 35708, MedGen C1291564, MONDO:0012084, OMIM 608643.

Submission:

Labcorp Genetics (formerly Invitae), Labcorp
Classification: Uncertain significance for Deficiency of aromatic-L-amino-acid decarboxylase. Last evaluated: 2022-08-23. Review status: criteria provided, single submitter. Criteria: Invitae Variant Classification Sherloc (09022015). Collection method: clinical testing. Allele origin: germline.
Comment: In summary, the available evidence is currently insufficient to determine the role of this variant in disease. Therefore, it has been classified as a Variant of Uncertain Significance. This sequence change replaces methionine, which is neutral and non-polar, with valine, which is neutral and non-polar, at codon 180 of the DDC protein (p.Met180Val). This variant is not present in population databases (gnomAD no frequency). This variant has not been reported in the literature in individuals affected with DDC-related conditions. ClinVar contains an entry for this variant (Variation ID: 1403352). Algorithms developed to predict the effect of missense changes on protein structure and function (SIFT, PolyPhen-2, Align-GVGD) all suggest that this variant is likely to be tolerated.